The following is an entry in ClinVar:

ClinVar aggregate classification (germline): Pathogenic. Review status: criteria provided, multiple submitters, no conflicts (2 of 4 stars). 4 submissions from 4 submitters: Pathogenic (3). 1 of the submissions does not count toward it. Last evaluated 2023-10-23.

Conditions:
Cone-rod dystrophy and hearing loss 2 (CRDHL2). Identifiers: MedGen C5193051, MONDO:0020780, OMIM 618358.

Allele frequency attached by ClinVar (database versions not stated): gnomAD 0.00001; gnomAD exomes 0.00001; TOPMed 0.00001.
gnomAD v4.1: 12 of 1,613,710 alleles (0.00074%); highest among the groups gnomAD compares: South Asian, 0.0033%; no homozygotes.

Submissions (4):

Labcorp Genetics (formerly Invitae), Labcorp
Classification: Pathogenic. Last evaluated: 2023-10-23. Review status: criteria provided, single submitter. Criteria: Invitae Variant Classification Sherloc (09022015). Collection method: clinical testing. Allele origin: germline.
Comment: This sequence change creates a premature translational stop signal (p.Arg188*) in the CEP250 gene. It is expected to result in an absent or disrupted protein product. Loss-of-function variants in CEP250 are known to be pathogenic (PMID: 24780881, 29718797). This variant is present in population databases (no rsID available, gnomAD 0.004%). This premature translational stop signal has been observed in individual(s) with CEP250-related conditions (PMID: 29718797, 30998843). It has also been observed to segregate with disease in related individuals. ClinVar contains an entry for this variant (Variation ID: 620660). Algorithms developed to predict the effect of sequence changes on RNA splicing suggest that this variant may disrupt the consensus splice site. For these reasons, this variant has been classified as Pathogenic.

SIB Swiss Institute of Bioinformatics
Classification: Pathogenic for Cone-rod dystrophy and hearing loss 2. Last evaluated: 2020-02-14. Review status: criteria provided, single submitter. Criteria: ACMG Guidelines, 2015. Collection method: curation. Allele origin: unknown.
Comment: This variant is interpreted as pathogenic for Cone-rod dystrophy and hearing loss 2, autosomal recessive. The following ACMG Tag(s) were applied: PM2, PP1, PM3, PS3, PVS1-Strong.

Juno Genomics, Hangzhou Juno Genomics, Inc
Classification: Pathogenic for Cone-rod dystrophy and hearing loss 2. Review status: criteria provided, single submitter. Criteria: ACMG Guidelines, 2015. Collection method: clinical testing. Allele origin: germline.
Comment: Absent from controls (or at extremely low frequency if recessive) in Genome Aggregation Database.;Null variant in a gene where loss of function (LOF) is a known mechanism of disease.;For recessive disorders, detected in trans with a pathogenic variant.;Patient's phenotype or family history is highly specific for a disease with a single genetic etiology.

OMIM
Classification: Pathogenic for CONE-ROD DYSTROPHY AND HEARING LOSS 2. Last evaluated: 2019-03-14. Review status: no assertion criteria provided. Collection method: literature only. Allele origin: germline. Not counted in ClinVar's aggregate classification.

Literature cited by the submitters: PubMed 24780881 (cited by Labcorp Genetics (formerly Invitae), Labcorp); PubMed 29718797 (cited by 3 submitters); PubMed 30998843 (cited by Labcorp Genetics (formerly Invitae), Labcorp and SIB Swiss Institute of Bioinformatics).

NM_007186.6(CEP250):c.562C>T (p.Arg188Ter)

Gene: CEP250 (centrosomal protein 250; plus strand). Cytogenetic location: 20q11.22.
Variant type: single nucleotide variant.
Coding change: c.562C>T on transcript NM_007186.6 (MANE Select); coding-DNA position 562, C replaced by T.
Protein change: p.Arg188Ter; replaces arginine 188 with a stop codon.
Molecular consequence: nonsense. On other transcripts: 5 prime UTR variant (1).
Genome position (GRCh38, 1-based): chr20:35,467,035, C>T. VCF-style: chr20-35467035-C-T. GRCh37 (hg19) VCF-style: chr20-34054860-C-T.
Other names: c.-1338C>T (NM_001318219.1); short protein forms R188*.
Identifiers: ClinVar variation 620660 (VCV000620660.7), dbSNP rs1369076411, ClinGen allele CA408755089.